The following is an entry in ClinVar:

NM_015466.4(PTPN23):c.2230G>A (p.Glu744Lys)

Gene: PTPN23 (protein tyrosine phosphatase non-receptor type 23; plus strand). Cytogenetic location: 3p21.31.
Variant type: single nucleotide variant.
Coding change: c.2230G>A on transcript NM_015466.4 (MANE Select); coding-DNA position 2230, G replaced by A.
Protein change: p.Glu744Lys; replaces glutamic acid 744 with lysine.
Molecular consequence: missense variant.
Genome position (GRCh38, 1-based): chr3:47,410,028, G>A. VCF-style: chr3-47410028-G-A. GRCh37 (hg19) VCF-style: chr3-47451518-G-A.
Other names: c.1852G>A, p.Glu618Lys (NM_001304482.2); c.2230G>A (NM_015466.2); short protein forms E618K, E744K.
Identifiers: ClinVar variation 1355710 (VCV001355710.7), dbSNP rs1272698903, ClinGen allele CA352557754.

ClinVar aggregate classification (germline): Uncertain significance. Review status: criteria provided, multiple submitters, no conflicts (2 of 4 stars). 2 submissions from 2 submitters: Uncertain significance (2). Last evaluated 2024-11-15.

Allele frequency attached by ClinVar (database versions not stated): gnomAD 0.00001; TOPMed 0.00001; gnomAD exomes 0.00002 and 0.00003.
gnomAD v4.1: 47 of 1,610,700 alleles (0.0029%); highest among the groups gnomAD compares: Non-Finnish European, 0.004%; no homozygotes.

Submissions (2):

GeneDx
Classification: Uncertain significance. Last evaluated: 2024-11-15. Review status: criteria provided, single submitter. Criteria: GeneDx Variant Classification Process June 2021. Collection method: clinical testing. Allele origin: germline. Affected: yes.
Comment: In silico analysis indicates that this missense variant does not alter protein structure/function; Has not been previously published as pathogenic or benign to our knowledge

Labcorp Genetics (formerly Invitae), Labcorp
Classification: Uncertain significance. Last evaluated: 2021-10-09. Review status: criteria provided, single submitter. Criteria: Invitae Variant Classification Sherloc (09022015). Collection method: clinical testing. Allele origin: germline.
Comment: Algorithms developed to predict the effect of missense changes on protein structure and function are either unavailable or do not agree on the potential impact of this missense change (SIFT: "Tolerated"; PolyPhen-2: "Not Available"; Align-GVGD: "Class C0"). In summary, the available evidence is currently insufficient to determine the role of this variant in disease. Therefore, it has been classified as a Variant of Uncertain Significance. This sequence change replaces glutamic acid with lysine at codon 744 of the PTPN23 protein (p.Glu744Lys). The glutamic acid residue is moderately conserved and there is a small physicochemical difference between glutamic acid and lysine. This variant is not present in population databases (ExAC no frequency). This variant has not been reported in the literature in individuals affected with PTPN23-related conditions.